The following is an entry in ClinVar:

NM_000138.5(FBN1):c.8521G>A (p.Glu2841Lys)

Gene: FBN1 (fibrillin 1; minus strand). Cytogenetic location: 15q21.1.
Variant type: single nucleotide variant.
Coding change: c.8521G>A on transcript NM_000138.5 (MANE Select); coding-DNA position 8521, G replaced by A.
Protein change: p.Glu2841Lys; replaces glutamic acid 2841 with lysine.
Molecular consequence: missense variant.
Genome position (GRCh38, 1-based): chr15:48,411,085, C>T on the plus strand (G>A on the coding strand, the complement: FBN1 is on the minus strand). VCF-style: chr15-48411085-C-T. GRCh37 (hg19) VCF-style: chr15-48703282-C-T.
Other names: short protein forms E2841K.
Identifiers: ClinVar variation 1352148 (VCV001352148.6), dbSNP rs587782948, ClinGen allele CA392318692.

ClinVar aggregate classification (germline): Uncertain significance (1 of 4 stars; one submission).

Conditions:
Marfan syndrome (MFS). Also called: Marfan syndrome type 1; Marfan's syndrome; FBN1-Related Marfan Syndrome; MARFAN SYNDROME, TYPE I; Marfan syndrome, classic. Identifiers: Orphanet 284963, Orphanet 558, MedGen C0024796, MONDO:0007947, OMIM 154700.
Familial thoracic aortic aneurysm and aortic dissection (TAAD). Also called: Thoracic aortic aneurysms and dissections. Identifiers: Orphanet 91387, MedGen C4707243, MONDO:0019625.

Submission:

Labcorp Genetics (formerly Invitae), Labcorp
Classification: Uncertain significance for Marfan syndrome; Familial thoracic aortic aneurysm and aortic dissection. Last evaluated: 2021-12-09. Review status: criteria provided, single submitter. Criteria: Invitae Variant Classification Sherloc (09022015). Collection method: clinical testing. Allele origin: germline.
Comment: In summary, the available evidence is currently insufficient to determine the role of this variant in disease. Therefore, it has been classified as a Variant of Uncertain Significance. Algorithms developed to predict the effect of missense changes on protein structure and function (SIFT, PolyPhen-2, Align-GVGD) all suggest that this variant is likely to be tolerated. This missense change has been observed in individual(s) with clinical features of FBN1-related conditions (Invitae). This variant is not present in population databases (gnomAD no frequency). This sequence change replaces glutamic acid, which is acidic and polar, with lysine, which is basic and polar, at codon 2841 of the FBN1 protein (p.Glu2841Lys).